The following is an entry in ClinVar:

NM_015028.4(TNIK):c.3291G>C (p.Leu1097=)

Gene: TNIK (TRAF2 and NCK interacting kinase; minus strand). Cytogenetic location: 3q26.2.
Variant type: single nucleotide variant.
Coding change: c.3291G>C on transcript NM_015028.4 (MANE Select); coding-DNA position 3291, G replaced by C.
Protein change: p.Leu1097=; no amino-acid change (leucine 1097 retained).
Molecular consequence: synonymous variant.
Genome position (GRCh38, 1-based): chr3:171,082,273, C>G on the plus strand (G>C on the coding strand, the complement: TNIK is on the minus strand). VCF-style: chr3-171082273-C-G. GRCh37 (hg19) VCF-style: chr3-170800062-C-G.
Other names: c.3267G>C, p.Leu1089= (NM_001161560.3); c.3204G>C, p.Leu1068= (NM_001161561.3); c.3180G>C, p.Leu1060= (NM_001161562.3); c.3126G>C, p.Leu1042= (NM_001161563.3); c.3102G>C, p.Leu1034= (NM_001161564.3); c.3039G>C, p.Leu1013= (NM_001161565.3); c.3015G>C, p.Leu1005= (NM_001161566.3).
Identifiers: ClinVar variation 4535006 (VCV004535006.6).
Genomic context (GRCh38, chr3:171,082,273, plus strand): 5'-TGTATGGACCTGGGGGACTCATCATCTTAGTAACATACCTGAAATTGTCACAAGGACATT[C>G]AGTCCCTCTAGCACATCCATCTGCTGAAATCGCCTCCGGTTGATCAGATTATAGACTTTG-3'
Protein context (NP_055843.1, residues 1087-1107): RFQQMDVLEG[Leu1097=]NVLVTISGKK

ClinVar aggregate classification (germline): Likely benign (1 of 4 stars; one submission).

gnomAD v4.1: 27 of 1,613,352 alleles (0.0017%); highest among the groups gnomAD compares: Admixed American, 0.043%; 1 homozygote.

Submission:

CeGaT Center for Human Genetics Tuebingen
Classification: Likely benign. Last evaluated: 2025-10-01. Review status: criteria provided, single submitter. Criteria: CeGaT Center For Human Genetics Tuebingen Variant Classification Criteria Version 2. Collection method: clinical testing. Allele origin: germline. Affected: yes. Observed: 1 variant allele.
Comment: TNIK: BP4, BP7